The following is an entry in ClinVar:

NM_001378454.1(ALMS1):c.4291C>A (p.His1431Asn)

Gene: ALMS1 (ALMS1 centrosome and basal body associated protein; plus strand). Cytogenetic location: 2p13.1.
Variant type: single nucleotide variant.
Coding change: c.4291C>A on transcript NM_001378454.1 (MANE Select); coding-DNA position 4291, C replaced by A.
Protein change: p.His1431Asn; replaces histidine 1431 with asparagine.
Molecular consequence: missense variant.
Genome position (GRCh38, 1-based): chr2:73,450,818, C>A. VCF-style: chr2-73450818-C-A. GRCh37 (hg19) VCF-style: chr2-73677945-C-A.
Other names: c.4294C>A, p.His1432Asn (NM_015120.4); short protein forms H1431N, H1432N.
Identifiers: ClinVar variation 1739460 (VCV001739460.5), dbSNP rs771852276, ClinGen allele CA50393363.

ClinVar aggregate classification (germline): Uncertain significance. Review status: criteria provided, multiple submitters, no conflicts (2 of 4 stars). 2 submissions from 2 submitters: Uncertain significance (2). Last evaluated 2024-10-25.

Conditions:
Cardiovascular phenotype. Identifiers: MedGen CN230736.
Alstrom syndrome (ALMS). Identifiers: Orphanet 64, MedGen C0268425, MONDO:0008763, OMIM 203800.

gnomAD v4.1: 6 of 1,614,040 alleles (0.00037%); highest among the groups gnomAD compares: Admixed American, 0.0017%; no homozygotes.

Submissions (2):

Labcorp Genetics (formerly Invitae), Labcorp
Classification: Uncertain significance for Alstrom syndrome. Last evaluated: 2024-10-25. Review status: criteria provided, single submitter. Criteria: Invitae Variant Classification Sherloc (09022015). Collection method: clinical testing. Allele origin: germline.
Comment: This sequence change replaces histidine, which is basic and polar, with asparagine, which is neutral and polar, at codon 1432 of the ALMS1 protein (p.His1432Asn). This variant is not present in population databases (gnomAD no frequency). This variant has not been reported in the literature in individuals affected with ALMS1-related conditions. ClinVar contains an entry for this variant (Variation ID: 1739460). Experimental studies and prediction algorithms are not available or were not evaluated, and the functional significance of this variant is currently unknown. In summary, the available evidence is currently insufficient to determine the role of this variant in disease. Therefore, it has been classified as a Variant of Uncertain Significance.

Ambry Genetics
Classification: Uncertain significance for Cardiovascular phenotype. Last evaluated: 2019-09-03. Review status: criteria provided, single submitter. Criteria: Ambry Variant Classification Scheme 2023. Collection method: clinical testing. Allele origin: germline.
Comment: The p.H1432N variant (also known as c.4294C>A), located in coding exon 8 of the ALMS1 gene, results from a C to A substitution at nucleotide position 4294. The histidine at codon 1432 is replaced by asparagine, an amino acid with similar properties. This amino acid position is poorly conserved in available vertebrate species. In addition, this alteration is predicted to be tolerated by in silico analysis. Since supporting evidence is limited at this time, the clinical significance of this alteration remains unclear.